The following is an entry in ClinVar:

ClinVar aggregate classification (germline): Likely benign. Review status: criteria provided, multiple submitters, no conflicts (2 of 4 stars). 2 submissions from 2 submitters: Likely benign (2). Last evaluated 2025-03-24.

Conditions:
Dilated cardiomyopathy 1J (CMD1J). Also called: CARDIOMYOPATHY, DILATED, WITH SENSORINEURAL HEARING LOSS, AUTOSOMAL DOMINANT. Identifiers: Orphanet 217622, MedGen C1854368, MONDO:0011541, OMIM 605362.

Allele frequency attached by ClinVar (database versions not stated): gnomAD exomes below 0.00001 and 0.00001.
gnomAD v4.1: 9 of 1,608,826 alleles (0.00056%); highest among the groups gnomAD compares: Non-Finnish European, 0.00068%; no homozygotes.

Submissions (2):

Labcorp Genetics (formerly Invitae), Labcorp
Classification: Likely benign for Dilated cardiomyopathy 1J. Last evaluated: 2025-03-24. Review status: criteria provided, single submitter. Criteria: Invitae Variant Classification Sherloc (09022015). Collection method: clinical testing. Allele origin: germline.

Laboratory for Molecular Medicine, Mass General Brigham Personalized Medicine
Classification: Likely benign. Last evaluated: 2013-01-08. Review status: criteria provided, single submitter. Criteria: LMM Criteria. Collection method: clinical testing. Allele origin: germline. Observed: 1 variant allele.
Comment: Ser248Ser in exon 10 of EYA4: This variant is not expected to have clinical sign ificance because it does not alter an amino acid residue and is not located with in the splice consensus sequence.

NM_004100.5(EYA4):c.744A>G (p.Ser248=)

Gene: EYA4 (EYA transcriptional coactivator and phosphatase 4; plus strand). Cytogenetic location: 6q23.2.
Variant type: single nucleotide variant.
Coding change: c.744A>G on transcript NM_004100.5 (MANE Select); coding-DNA position 744, A replaced by G.
Protein change: p.Ser248=; no amino-acid change (serine 248 retained).
Molecular consequence: synonymous variant.
Genome position (GRCh38, 1-based): chr6:133,464,798, A>G. VCF-style: chr6-133464798-A-G. GRCh37 (hg19) VCF-style: chr6-133785936-A-G.
Other names: c.582A>G, p.Ser194= (NM_001301012.2, NM_001370459.1); c.744A>G, p.Ser248= (NM_001301013.2, NM_172105.4); c.675A>G, p.Ser225= (NM_001370458.1, NM_172103.4).
Identifiers: ClinVar variation 44771 (VCV000044771.14), dbSNP rs397516879, ClinGen allele CA135007.